The following is an entry in ClinVar:

NM_017777.4(MKS1):c.516-3C>T

Gene: MKS1 (MKS transition zone complex subunit 1; minus strand). Cytogenetic location: 17q22.
Variant type: single nucleotide variant.
Coding change: c.516-3C>T on transcript NM_017777.4 (MANE Select); 3 bases into the intron before coding-DNA position 516, C replaced by T.
Molecular consequence: intron variant.
Genome position (GRCh38, 1-based): chr17:58,214,390, G>A on the plus strand (C>T on the coding strand, the complement: MKS1 is on the minus strand). VCF-style: chr17-58214390-G-A. GRCh37 (hg19) VCF-style: chr17-56291751-G-A.
Other names: c.-94-3C>T (NM_001321268.2); c.516-3C>T (NM_001330397.2, NM_001321269.2, NM_001411113.1).
Identifiers: ClinVar variation 4981849 (VCV004981849.1).
Genomic context (GRCh38, chr17:58,214,390, plus strand): 5'-GACAAACTCTTCTGAGGGCTCCCAGGTGACGATGCGTGACTTGAGGATGCCGCCCTCCCT[G>A]GGAGACACCACAGAAAGGTCACTTCCCTGGCACACCCCAATGGAGCACCCCAGTGGAGAG-3'

ClinVar aggregate classification (germline): Likely benign (1 of 4 stars; one submission).

Conditions:
MKS1-related disorder. Also called: MKS1-related disorders; MKS1-related condition. Identifiers: MedGen CN239382.

gnomAD v4.1: 20 of 1,612,776 alleles (0.0012%); highest among the groups gnomAD compares: Non-Finnish European, 0.0016%; no homozygotes.

Submission:

PreventionGenetics, part of Exact Sciences
Classification: Likely benign for MKS1-related condition. Last evaluated: 2025-01-16. Review status: criteria provided, single submitter. Criteria: ACMG Guidelines, 2015. Collection method: clinical testing. Allele origin: germline.
Comment: This variant is classified as likely benign based on ACMG/AMP sequence variant interpretation guidelines (Richards et al. 2015 PMID: 25741868, with internal and published modifications).